The following is an entry in ClinVar:

ClinVar aggregate classification (germline): Uncertain significance (1 of 4 stars; one submission).

Submission:

GeneDx
Classification: Uncertain significance. Last evaluated: 2025-11-19. Review status: criteria provided, single submitter. Criteria: GeneDx Variant Classification Process June 2021. Collection method: clinical testing. Allele origin: germline. Affected: yes.
Comment: Has not been previously published as pathogenic or benign to our knowledge; In silico analysis supports that this missense variant has a deleterious effect on protein structure/function; In silico analysis is inconclusive as to whether the variant alters gene splicing. In the absence of RNA/functional studies, the actual effect of this sequence change is unknown.

NM_001470.4(GABBR1):c.1859G>T (p.Arg620Leu)

Gene: GABBR1 (gamma-aminobutyric acid type B receptor subunit 1; minus strand). Cytogenetic location: 6p22.1.
Variant type: single nucleotide variant.
Coding change: c.1859G>T on transcript NM_001470.4 (MANE Select); coding-DNA position 1859, G replaced by T.
Protein change: p.Arg620Leu; replaces arginine 620 with leucine.
Molecular consequence: missense variant.
Genome position (GRCh38, 1-based): chr6:29,609,229, C>A on the plus strand (G>T on the coding strand, the complement: GABBR1 is on the minus strand). VCF-style: chr6-29609229-C-A. GRCh37 (hg19) VCF-style: chr6-29577006-C-A.
Other names: c.1328G>T, p.Arg443Leu (NM_001319053.2); c.1508G>T, p.Arg503Leu (NM_021903.3); c.1673G>T, p.Arg558Leu (NM_021904.4); short protein forms R443L, R503L, R558L, R620L.
Identifiers: ClinVar variation 3602246 (VCV003602246.3).
Genomic context (GRCh38, chr6:29,609,229, plus strand): 5'-CAGGAACATGATCAGTATCTCAGAGAGGCAGACAAGGAAAACGTCAGAAGAGAAACTTAC[C>A]GGACATGTGAGTTGTAGATGTTAAAGGACAGACAGACAACAGCTAGGACAATGCCCAGGC-3'
Protein context (NP_001461.1, residues 610-630): LSFNIYNSHV[Arg620Leu]YIQNSQPNLN